The following is an entry in ClinVar:

NM_032119.4(ADGRV1):c.16041dup (p.Thr5348fs)

Gene: ADGRV1 (adhesion G protein-coupled receptor V1; plus strand). Cytogenetic location: 5q14.3.
Variant type: Duplication.
Coding change: c.16041dup on transcript NM_032119.4 (MANE Select); coding-DNA position 16041, one base duplicated (T; older notation c.16041dupT).
Protein change: p.Thr5348fs; shifts the reading frame from threonine 5348.
Molecular consequence: frameshift variant. On other transcripts: non-coding transcript variant (1).
Genome position (GRCh38, 1-based): chr5:90,811,301, T duplicated. VCF-style (leftmost placement, unchanged base first): chr5-90811300-A-AT. GRCh37 (hg19) VCF-style: chr5-90107117-A-AT.
Other names: c.16041dupT (NM_032119.4); short protein forms T5348fs.
Identifiers: ClinVar variation 1369585 (VCV001369585.2), dbSNP rs2150231769, ClinGen allele CA2573140037.
Genomic context (GRCh38, chr5:90,811,300, plus strand): 5'-TCTTCTACGTGTTTCTCACAAACCCTCAAGGGGGAGCACAGATTGTGGAGGAGAAGGATG[A>AT]TACTGGATTTGCAGCTTTTGCCATGGTTATTATTACAGGTATATCTTTGAAATGATGGAG-3'

ClinVar aggregate classification (germline): Pathogenic. Review status: criteria provided, multiple submitters, no conflicts (2 of 4 stars). 2 submissions from 2 submitters: Pathogenic (2). Last evaluated 2023-12-14.

Conditions:
Usher syndrome. Also called: Usher's syndrome; Usher Syndromes. Identifiers: Orphanet 886, MedGen CN469326, MeSH D052245, MONDO:0019501. Disease mechanism: loss of function.

Submissions (2):

Women's Health and Genetics/Laboratory Corporation of America, LabCorp
Classification: Pathogenic for Retinitis pigmentosa-deafness syndrome. Last evaluated: 2023-12-14. Review status: criteria provided, single submitter. Criteria: LabCorp Variant Classification Summary - May 2015. Collection method: clinical testing. Allele origin: germline.
Comment: Variant summary: ADGRV1 c.16041dupT (p.Thr5348TyrfsX15) results in a premature termination codon, predicted to cause a truncation of the encoded protein or absence of the protein due to nonsense mediated decay, which are commonly known mechanisms for disease. The variant was absent in 243498 control chromosomes. To our knowledge, no occurrence of c.16041dupT in individuals affected with Usher Syndrome and no experimental evidence demonstrating its impact on protein function have been reported. One submitter has cited clinical-significance assessments for this variant to ClinVar after 2014 and has classified the variant as pathogenic. Based on the evidence outlined above, the variant was classified as pathogenic.

Labcorp Genetics (formerly Invitae), Labcorp
Classification: Pathogenic. Last evaluated: 2021-07-15. Review status: criteria provided, single submitter. Criteria: Invitae Variant Classification Sherloc (09022015). Collection method: clinical testing. Allele origin: germline.
Comment: This sequence change creates a premature translational stop signal (p.Thr5348Tyrfs*15) in the ADGRV1 gene. It is expected to result in an absent or disrupted protein product. Loss-of-function variants in ADGRV1 are known to be pathogenic (PMID: 19357117, 22135276, 22147658, 26226137, 26667666, 30029497, 32467589). This variant is not present in population databases (ExAC no frequency). This variant has not been reported in the literature in individuals affected with ADGRV1-related conditions. For these reasons, this variant has been classified as Pathogenic.

Literature cited by the submitters: PubMed 19357117 (cited by Labcorp Genetics (formerly Invitae), Labcorp); PubMed 22135276 (cited by Labcorp Genetics (formerly Invitae), Labcorp); PubMed 22147658 (cited by Labcorp Genetics (formerly Invitae), Labcorp); PubMed 26226137 (cited by Labcorp Genetics (formerly Invitae), Labcorp); PubMed 26667666 (cited by Labcorp Genetics (formerly Invitae), Labcorp); PubMed 30029497 (cited by Labcorp Genetics (formerly Invitae), Labcorp); PubMed 32467589 (cited by Labcorp Genetics (formerly Invitae), Labcorp).